The following is an entry in ClinVar:

NM_000059.4(BRCA2):c.9792C>A (p.Asn3264Lys)

Gene: BRCA2 (BRCA2 DNA repair associated; plus strand). Cytogenetic location: 13q13.1.
Variant type: single nucleotide variant.
Coding change: c.9792C>A on transcript NM_000059.4 (MANE Select); coding-DNA position 9792, C replaced by A.
Protein change: p.Asn3264Lys; replaces asparagine 3264 with lysine.
Molecular consequence: missense variant.
Genome position (GRCh38, 1-based): chr13:32,398,305, C>A. VCF-style: chr13-32398305-C-A. GRCh37 (hg19) VCF-style: chr13-32972442-C-A.
Other names: short protein forms N3264K.
Identifiers: ClinVar variation 660842 (VCV000660842.10), dbSNP rs1593201839, ClinGen allele CA387766009.

ClinVar aggregate classification (germline): Conflicting classifications of pathogenicity. Review status: criteria provided, conflicting classifications (1 of 4 stars). 2 submissions from 2 submitters: Uncertain significance (1); Likely benign (1). Last evaluated 2026-08-21.

Conditions:
Hereditary cancer-predisposing syndrome. Also called: Neoplastic Syndromes, Hereditary; Hereditary Cancer Syndrome; Hereditary neoplastic syndrome; Tumor predisposition. Identifiers: Orphanet 140162, MedGen C0027672, MeSH D009386, MONDO:0015356.
Hereditary breast ovarian cancer syndrome. Also called: Breast and ovarian cancer; Hereditary breast and ovarian cancer syndrome (HBOC); BRCA1- and BRCA2-Associated Hereditary Breast and Ovarian Cancer; Hereditary breast and ovarian cancer syndrome; Hereditary breast and ovarian cancer; Hereditary breast and/or ovarian cancer syndrome. Identifiers: Orphanet 145, MedGen C0677776, MeSH D061325, MONDO:0003582. Disease mechanism: loss of function.

Submissions (2):

Ambry Genetics
Classification: Likely benign for Hereditary cancer-predisposing syndrome. Last evaluated: 2026-08-21. Review status: criteria provided, single submitter. Criteria: Ambry Variant Classification Scheme 2023. Collection method: clinical testing. Allele origin: germline.

Labcorp Genetics (formerly Invitae), Labcorp
Classification: Uncertain significance for Hereditary breast ovarian cancer syndrome. Last evaluated: 2018-12-13. Review status: criteria provided, single submitter. Criteria: Invitae Variant Classification Sherloc (09022015). Collection method: clinical testing. Allele origin: germline.
Comment: This sequence change replaces asparagine with lysine at codon 3264 of the BRCA2 protein (p.Asn3264Lys). The asparagine residue is weakly conserved and there is a moderate physicochemical difference between asparagine and lysine. This variant is not present in population databases (ExAC no frequency). This variant has not been reported in the literature in individuals with BRCA2-related conditions. Algorithms developed to predict the effect of missense changes on protein structure and function (SIFT, PolyPhen-2, Align-GVGD) all suggest that this variant is likely to be tolerated, but these predictions have not been confirmed by published functional studies and their clinical significance is uncertain. In summary, the available evidence is currently insufficient to determine the role of this variant in disease. Therefore, it has been classified as a Variant of Uncertain Significance.